The following is an entry in ClinVar:

NM_006662.3(SRCAP):c.6916G>A (p.Val2306Ile)

Gene: SRCAP (Snf2 related CREBBP activator protein; plus strand). Cytogenetic location: 16p11.2.
Variant type: single nucleotide variant.
Coding change: c.6916G>A on transcript NM_006662.3 (MANE Select); coding-DNA position 6916, G replaced by A.
Protein change: p.Val2306Ile; replaces valine 2306 with isoleucine.
Molecular consequence: missense variant.
Genome position (GRCh38, 1-based): chr16:30,736,386, G>A. VCF-style: chr16-30736386-G-A. GRCh37 (hg19) VCF-style: chr16-30747707-G-A.
Other names: short protein forms V2306I.
Identifiers: ClinVar variation 1920727 (VCV001920727.5), dbSNP rs1466585677, ClinGen allele CA395629117.

ClinVar aggregate classification (germline): Uncertain significance (1 of 4 stars; one submission).

Allele frequency attached by ClinVar (database versions not stated): TOPMed below 0.00001.

Submission:

Labcorp Genetics (formerly Invitae), Labcorp
Classification: Uncertain significance. Last evaluated: 2023-08-17. Review status: criteria provided, single submitter. Criteria: Invitae Variant Classification Sherloc (09022015). Collection method: clinical testing. Allele origin: germline.
Comment: This variant has not been reported in the literature in individuals affected with SRCAP-related conditions. This sequence change replaces valine, which is neutral and non-polar, with isoleucine, which is neutral and non-polar, at codon 2306 of the SRCAP protein (p.Val2306Ile). This variant is not present in population databases (gnomAD no frequency). ClinVar contains an entry for this variant (Variation ID: 1920727). Advanced modeling of protein sequence and biophysical properties (such as structural, functional, and spatial information, amino acid conservation, physicochemical variation, residue mobility, and thermodynamic stability) performed at Invitae indicates that this missense variant is not expected to disrupt SRCAP protein function. In summary, the available evidence is currently insufficient to determine the role of this variant in disease. Therefore, it has been classified as a Variant of Uncertain Significance.